The following is an entry in ClinVar:

NM_003119.4(SPG7):c.2103+8G>A

Gene: SPG7 (SPG7 matrix AAA peptidase subunit, paraplegin; plus strand). Cytogenetic location: 16q24.3.
Variant type: single nucleotide variant.
Coding change: c.2103+8G>A on transcript NM_003119.4 (MANE Select); 8 bases into the intron after coding-DNA position 2103, G replaced by A.
Molecular consequence: intron variant.
Genome position (GRCh38, 1-based): chr16:89,553,968, G>A. VCF-style: chr16-89553968-G-A. GRCh37 (hg19) VCF-style: chr16-89620376-G-A.
Other names: c.2103+8G>A (NM_001363850.1).
Identifiers: ClinVar variation 379097 (VCV000379097.1), dbSNP rs1015822207, ClinGen allele CA16607551.
Genomic context (GRCh38, chr16:89,553,968, plus strand): 5'-TGGGCATCGGGCGGCGCCCCTTCAGCCAAGGCCTGCAGCAGATGATGGACCATGTGAGTC[G>A]GCTCTGGCCACACCGCTGCCCTCTGTGCTCCCCGGGGAGGGAGTCCCTGGGTCTACCACA-3'

ClinVar aggregate classification (germline): Likely benign (1 of 4 stars; one submission).

Allele frequency attached by ClinVar (database versions not stated): gnomAD exomes 0.00001 and 0.00002; TOPMed 0.00001.

Submission:

GeneDx
Classification: Likely benign. Last evaluated: 2016-03-11. Review status: criteria provided, single submitter. Criteria: GeneDx Variant Classification (06012015). Collection method: clinical testing. Allele origin: germline. Affected: yes.
Comment: This variant is considered likely benign or benign based on one or more of the following criteria: it is a conservative change, it occurs at a poorly conserved position in the protein, it is predicted to be benign by multiple in silico algorithms, and/or has population frequency not consistent with disease.